The following is an entry in ClinVar:

ClinVar aggregate classification (germline): Benign. Review status: criteria provided, multiple submitters, no conflicts (2 of 4 stars). 3 submissions from 3 submitters: Benign (2). 1 of the submissions does not count toward it. Last evaluated 2026-09-01.

Conditions:
TAOK1-related disorder. Also called: TAOK1-related condition.

Allele frequency attached by ClinVar (database versions not stated): 1000 Genomes Project 30x 0.00250; 1000 Genomes Project 0.00260; ExAC 0.00560; gnomAD exomes 0.00592 and 0.01048; TOPMed 0.00598; gnomAD 0.00606; ESP Exome Variant Server 0.00746.
gnomAD v4.1: 16,211 of 1,614,016 alleles (1%); highest among the groups gnomAD compares: Non-Finnish European, 1.2%; 115 homozygotes.

Submissions (3):

CeGaT Center for Human Genetics Tuebingen
Classification: Benign. Last evaluated: 2026-09-01. Review status: criteria provided, single submitter. Criteria: CeGaT Center For Human Genetics Tuebingen Variant Classification Criteria Version 2. Collection method: clinical testing. Allele origin: germline. Affected: yes. Observed: 50 variant alleles.
Comment: TAOK1: BP4, BP7, BS1, BS2

Labcorp Genetics (formerly Invitae), Labcorp
Classification: Benign. Last evaluated: 2018-05-14. Review status: criteria provided, single submitter. Criteria: Invitae Variant Classification Sherloc (09022015). Collection method: clinical testing. Allele origin: germline.

PreventionGenetics, part of Exact Sciences
Classification: Benign for TAOK1-related condition. Last evaluated: 2020-01-10. Review status: no assertion criteria provided. Collection method: clinical testing. Allele origin: germline. Not counted in ClinVar's aggregate classification.
Comment: This variant is classified as benign based on ACMG/AMP sequence variant interpretation guidelines (Richards et al. 2015 PMID: 25741868, with internal and published modifications).

NM_020791.4(TAOK1):c.1827A>G (p.Gln609=)

Gene: TAOK1 (TAO kinase 1; plus strand). Cytogenetic location: 17q11.2.
Variant type: single nucleotide variant.
Coding change: c.1827A>G on transcript NM_020791.4 (MANE Select); coding-DNA position 1827, A replaced by G.
Protein change: p.Gln609=; no amino-acid change (glutamine 609 retained).
Molecular consequence: synonymous variant. On other transcripts: intron variant (1).
Genome position (GRCh38, 1-based): chr17:29,517,575, A>G. VCF-style: chr17-29517575-A-G. GRCh37 (hg19) VCF-style: chr17-27844593-A-G.
Other names: c.1704+6583A>G (NM_025142.1).
Identifiers: ClinVar variation 779365 (VCV000779365.35), dbSNP rs75790207, ClinGen allele CA8474744.